The following is an entry in ClinVar:

NM_001040142.2(SCN2A):c.73A>G (p.Ile25Val)

Gene: SCN2A (sodium voltage-gated channel alpha subunit 2; plus strand). Cytogenetic location: 2q24.3.
Variant type: single nucleotide variant.
Coding change: c.73A>G on transcript NM_001040142.2 (MANE Select); coding-DNA position 73, A replaced by G.
Protein change: p.Ile25Val; replaces isoleucine 25 with valine.
Molecular consequence: missense variant.
Genome position (GRCh38, 1-based): chr2:165,295,896, A>G. VCF-style: chr2-165295896-A-G. GRCh37 (hg19) VCF-style: chr2-166152406-A-G.
Other names: c.73A>G (NM_021007.2); c.73A>G, p.Ile25Val (NM_001040143.2, NM_001371246.1, NM_001371247.1 and 1 more transcripts); short protein forms I25V.
Identifiers: ClinVar variation 1060840 (VCV001060840.10), dbSNP rs767145207, ClinGen allele CA1939544.

ClinVar aggregate classification (germline): Uncertain significance. Review status: criteria provided, multiple submitters, no conflicts (2 of 4 stars). 2 submissions from 2 submitters: Uncertain significance (2). Last evaluated 2025-06-04.

Conditions:
Seizures, benign familial infantile, 3 (BFIS3). Also called: CONVULSIONS, BENIGN FAMILIAL INFANTILE, 3; Familial neonatal seizures. Identifiers: Orphanet 140927, Orphanet 306, MedGen C1843140, MONDO:0011904, OMIM 607745.
Developmental and epileptic encephalopathy, 11 (DEE11). Also called: Early infantile epileptic encephalopathy 11. Identifiers: Orphanet 1934, MedGen C3150987, MONDO:0013388, OMIM 613721.

Allele frequency attached by ClinVar (database versions not stated): ExAC 0.00001; gnomAD 0.00001; gnomAD exomes 0.00001; TOPMed 0.00001.
gnomAD v4.1: 15 of 1,614,052 alleles (0.00093%); highest among the groups gnomAD compares: Admixed American, 0.0017%; no homozygotes.

Submissions (2):

GeneDx
Classification: Uncertain significance. Last evaluated: 2025-06-04. Review status: criteria provided, single submitter. Criteria: GeneDx Variant Classification Process June 2021. Collection method: clinical testing. Allele origin: germline. Affected: yes.
Comment: Not observed at significant frequency in large population cohorts (gnomAD); In silico analysis suggests that this missense variant does not alter protein structure/function; Has not been previously published as pathogenic or benign to our knowledge; This substitution is predicted to be within the N-terminal cytoplasmic domain

Labcorp Genetics (formerly Invitae), Labcorp
Classification: Uncertain significance for Seizures, benign familial infantile, 3; Developmental and epileptic encephalopathy, 11. Last evaluated: 2025-03-27. Review status: criteria provided, single submitter. Criteria: Invitae Variant Classification Sherloc (09022015). Collection method: clinical testing. Allele origin: germline.
Comment: This sequence change replaces isoleucine, which is neutral and non-polar, with valine, which is neutral and non-polar, at codon 25 of the SCN2A protein (p.Ile25Val). This variant is present in population databases (rs767145207, gnomAD 0.0009%). This variant has not been reported in the literature in individuals affected with SCN2A-related conditions. ClinVar contains an entry for this variant (Variation ID: 1060840). Invitae Evidence Modeling of protein sequence and biophysical properties (such as structural, functional, and spatial information, amino acid conservation, physicochemical variation, residue mobility, and thermodynamic stability) indicates that this missense variant is expected to disrupt SCN2A protein function with a positive predictive value of 95%. In summary, the available evidence is currently insufficient to determine the role of this variant in disease. Therefore, it has been classified as a Variant of Uncertain Significance.